The following is an entry in ClinVar:

NM_015338.6(ASXL1):c.2948T>G (p.Leu983Arg)

Gene: ASXL1 (ASXL transcriptional regulator 1; plus strand). Cytogenetic location: 20q11.21.
Variant type: single nucleotide variant.
Coding change: c.2948T>G on transcript NM_015338.6 (MANE Select); coding-DNA position 2948, T replaced by G.
Protein change: p.Leu983Arg; replaces leucine 983 with arginine.
Molecular consequence: missense variant.
Genome position (GRCh38, 1-based): chr20:32,435,660, T>G. VCF-style: chr20-32435660-T-G. GRCh37 (hg19) VCF-style: chr20-31023463-T-G.
Other names: c.2948T>G (NM_015338.5); c.2765T>G, p.Leu922Arg (NM_001363734.1); short protein forms L922R, L983R.
Identifiers: ClinVar variation 1363919 (VCV001363919.7), dbSNP rs34359205, ClinGen allele CA313926330.

ClinVar aggregate classification (germline): Uncertain significance. Review status: criteria provided, multiple submitters, no conflicts (2 of 4 stars). 2 submissions from 2 submitters: Uncertain significance (2). Last evaluated 2024-12-02.

Conditions:
Inborn genetic diseases. Identifiers: MedGen C0950123, MeSH D030342.

Allele frequency attached by ClinVar (database versions not stated): gnomAD 0.00001; gnomAD exomes 0.00001.
gnomAD v4.1: 12 of 1,614,022 alleles (0.00074%); highest among the groups gnomAD compares: Non-Finnish European, 0.00093%; no homozygotes.

Submissions (2):

Ambry Genetics
Classification: Uncertain significance for Inborn genetic diseases. Last evaluated: 2024-12-02. Review status: criteria provided, single submitter. Criteria: Ambry Variant Classification Scheme 2023. Collection method: clinical testing. Allele origin: germline.
Comment: The p.L983R variant (also known as c.2948T>G), located in coding exon 13 of the ASXL1 gene, results from a T to G substitution at nucleotide position 2948. The leucine at codon 983 is replaced by arginine, an amino acid with dissimilar properties. This amino acid position is conserved. In addition, this alteration is predicted to be tolerated by in silico analysis. Based on the available evidence, the clinical significance of this variant remains unclear.

Labcorp Genetics (formerly Invitae), Labcorp
Classification: Uncertain significance. Last evaluated: 2022-10-23. Review status: criteria provided, single submitter. Criteria: Invitae Variant Classification Sherloc (09022015). Collection method: clinical testing. Allele origin: germline.
Comment: This variant has not been reported in the literature in individuals affected with ASXL1-related conditions. In summary, the available evidence is currently insufficient to determine the role of this variant in disease. Therefore, it has been classified as a Variant of Uncertain Significance. Algorithms developed to predict the effect of missense changes on protein structure and function (SIFT, PolyPhen-2, Align-GVGD) all suggest that this variant is likely to be tolerated. ClinVar contains an entry for this variant (Variation ID: 1363919). This variant is not present in population databases (gnomAD no frequency). This sequence change replaces leucine, which is neutral and non-polar, with arginine, which is basic and polar, at codon 983 of the ASXL1 protein (p.Leu983Arg).